The following is an entry in ClinVar:

ClinVar aggregate classification (germline): Uncertain significance (1 of 4 stars; one submission).

Allele frequency attached by ClinVar (database versions not stated): TOPMed below 0.00001; gnomAD 0.00001.
gnomAD v4.1: 12 of 1,613,914 alleles (0.00074%); highest among the groups gnomAD compares: Admixed American, 0.0017%; no homozygotes.

Submission:

Labcorp Genetics (formerly Invitae), Labcorp
Classification: Uncertain significance. Last evaluated: 2022-04-04. Review status: criteria provided, single submitter. Criteria: Invitae Variant Classification Sherloc (09022015). Collection method: clinical testing. Allele origin: germline.
Comment: This sequence change replaces glycine, which is neutral and non-polar, with serine, which is neutral and polar, at codon 162 of the ZIC4 protein (p.Gly162Ser). This variant is present in population databases (rs762572302, gnomAD 0.003%). This variant has not been reported in the literature in individuals affected with ZIC4-related conditions. Algorithms developed to predict the effect of missense changes on protein structure and function (SIFT, PolyPhen-2, Align-GVGD) all suggest that this variant is likely to be disruptive. In summary, the available evidence is currently insufficient to determine the role of this variant in disease. Therefore, it has been classified as a Variant of Uncertain Significance.

NM_032153.6(ZIC4):c.334G>A (p.Gly112Ser)

Gene: ZIC4 (Zic family zinc finger 4; minus strand). Cytogenetic location: 3q24.
Variant type: single nucleotide variant.
Coding change: c.334G>A on transcript NM_032153.6 (MANE Select); coding-DNA position 334, G replaced by A.
Protein change: p.Gly112Ser; replaces glycine 112 with serine.
Molecular consequence: missense variant. On other transcripts: intron variant (1).
Genome position (GRCh38, 1-based): chr3:147,396,206, C>T on the plus strand (G>A on the coding strand, the complement: ZIC4 is on the minus strand). VCF-style: chr3-147396206-C-T. GRCh37 (hg19) VCF-style: chr3-147113993-C-T.
Other names: c.484G>A, p.Gly162Ser (NM_001168378.1); c.448G>A, p.Gly150Ser (NM_001168379.2); c.71-4960G>A (NM_001243256.2); short protein forms G112S, G150S, G162S.
Identifiers: ClinVar variation 2420072 (VCV002420072.6), dbSNP rs762572302, ClinGen allele CA2656825.
Genomic context (GRCh38, chr3:147,396,206, plus strand): 5'-ACTTGCAGATGAGCTCCTGTTTGATGGGCTGGCGCATGTAGCGGAAGAAAGCGCCAGGAC[C>T]GTGGGGCGCAGCGAGGTTCACCGTCAGGTTCATGCCCCCGTAGCCATGCAGGGCTGCGGC-3'
Protein context (NP_115529.2, residues 102-122): NLTVNLAAPH[Gly112Ser]PGAFFRYMRQ